The following is an entry in ClinVar:

NM_000548.5(TSC2):c.4728G>C (p.Thr1576=)

Gene: TSC2 (TSC complex subunit 2; plus strand). Cytogenetic location: 16p13.3.
Variant type: single nucleotide variant.
Coding change: c.4728G>C on transcript NM_000548.5 (MANE Select); coding-DNA position 4728, G replaced by C.
Protein change: p.Thr1576=; no amino-acid change (threonine 1576 retained).
Molecular consequence: synonymous variant.
Genome position (GRCh38, 1-based): chr16:2,086,258, G>C. VCF-style: chr16-2086258-G-C. GRCh37 (hg19) VCF-style: chr16-2136259-G-C.
Other names: c.4527G>C, p.Thr1509= (NM_001077183.3); c.4659G>C, p.Thr1553= (NM_001114382.3); c.4419G>C, p.Thr1473= (NM_001318827.2); c.4383G>C, p.Thr1461= (NM_001318829.2); c.3996G>C, p.Thr1332= (NM_001318831.2); c.4560G>C, p.Thr1520= (NM_001318832.2); c.4530G>C, p.Thr1510= (NM_001363528.2); c.4596G>C, p.Thr1532= (NM_001370404.1); and 1 more.
Identifiers: ClinVar variation 238060 (VCV000238060.21), dbSNP rs752642825, ClinGen allele CA052391.

ClinVar aggregate classification (germline): Benign/Likely benign. Review status: criteria provided, multiple submitters, no conflicts (2 of 4 stars). 5 submissions from 5 submitters: Benign (2); Likely benign (3). Last evaluated 2025-06-04.

Conditions:
Hereditary cancer-predisposing syndrome. Also called: Tumor predisposition; Hereditary Cancer Syndrome; Hereditary neoplastic syndrome; Neoplastic Syndromes, Hereditary. Identifiers: Orphanet 140162, MedGen C0027672, MeSH D009386, MONDO:0015356.
Tuberous sclerosis syndrome (TSC). Also called: Tuberous Sclerosis Complex; Tuberous sclerosis. Identifiers: Orphanet 805, MedGen C0041341, MONDO:0001734.
Tuberous sclerosis 2 (TSC2). Identifiers: Orphanet 805, MedGen C1860707, MONDO:0013199, OMIM 613254.

gnomAD v4.1: 8 of 1,612,816 alleles (0.0005%); highest among the groups gnomAD compares: African/African-American, 0.0027%; no homozygotes.

Submissions (5):

Myriad Genetics, Inc.
Classification: Benign for Tuberous sclerosis 2. Last evaluated: 2025-06-04. Review status: criteria provided, single submitter. Criteria: Myriad Autosomal Dominant, Autosomal Recessive and X-Linked Classification Criteria (2023). Collection method: clinical testing. Allele origin: unknown.
Comment: This variant is considered benign. This variant is a silent/synonymous amino acid change and it is not expected to impact splicing.

Labcorp Genetics (formerly Invitae), Labcorp
Classification: Likely benign for Tuberous sclerosis 2. Last evaluated: 2025-04-08. Review status: criteria provided, single submitter. Criteria: Invitae Variant Classification Sherloc (09022015). Collection method: clinical testing. Allele origin: germline.

All of Us Research Program, National Institutes of Health
Classification: Likely benign for Tuberous sclerosis syndrome. Last evaluated: 2024-07-29. Review status: criteria provided, single submitter. Criteria: ACMG Guidelines, 2015. Collection method: clinical testing. Allele origin: germline. Inheritance: Autosomal dominant inheritance. Observed: 3 variant alleles, 3 heterozygotes.
Comment: This study involves interpretation of variants in research participants for the purpose of population health screening. Participant phenotype was not available at the time of variant classification. Additional details can be found in publication PMID: 35346344, PMCID: PMC8962531

Genome-Nilou Lab
Classification: Benign for Tuberous sclerosis 2. Last evaluated: 2021-11-07. Review status: criteria provided, single submitter. Criteria: ACMG Guidelines, 2015. Collection method: clinical testing. Allele origin: germline. Affected: no.

Ambry Genetics
Classification: Likely benign for Hereditary cancer-predisposing syndrome. Last evaluated: 2019-04-05. Review status: criteria provided, single submitter. Criteria: Ambry Variant Classification Scheme 2023. Collection method: clinical testing. Allele origin: germline.